The following is an entry in ClinVar:

ClinVar aggregate classification (germline): Uncertain significance (1 of 4 stars; one submission).

Conditions:
Inborn genetic diseases. Identifiers: MedGen C0950123, MeSH D030342.

Submission:

Ambry Genetics
Classification: Uncertain significance for Inborn genetic diseases. Last evaluated: 2023-05-21. Review status: criteria provided, single submitter. Criteria: Ambry Variant Classification Scheme 2023. Collection method: clinical testing. Allele origin: germline.
Comment: The p.R969S variant (also known as c.2907G>T), located in coding exon 23 of the LRRK2 gene, results from a G to T substitution at nucleotide position 2907. The arginine at codon 969 is replaced by serine, an amino acid with dissimilar properties. This amino acid position is conserved. In addition, this alteration is predicted to be tolerated by in silico analysis. Since supporting evidence is limited at this time, the clinical significance of this alteration remains unclear.

NM_198578.4(LRRK2):c.2907G>T (p.Arg969Ser)

Gene: LRRK2 (leucine rich repeat kinase 2; plus strand). Cytogenetic location: 12q12.
Variant type: single nucleotide variant.
Coding change: c.2907G>T on transcript NM_198578.4 (MANE Select); coding-DNA position 2907, G replaced by T.
Protein change: p.Arg969Ser; replaces arginine 969 with serine.
Molecular consequence: missense variant.
Genome position (GRCh38, 1-based): chr12:40,295,455, G>T. VCF-style: chr12-40295455-G-T. GRCh37 (hg19) VCF-style: chr12-40689257-G-T.
Other names: short protein forms R969S.
Identifiers: ClinVar variation 2567412 (VCV002567412.2), dbSNP rs2499728047, ClinGen allele CA384412484.